The following is an entry in ClinVar:

NM_001164665.2(KIAA1549):c.2213C>T (p.Thr738Met)

Gene: KIAA1549 (KIAA1549; minus strand). Cytogenetic location: 7q34.
Variant type: single nucleotide variant.
Coding change: c.2213C>T on transcript NM_001164665.2 (MANE Select); coding-DNA position 2213, C replaced by T.
Protein change: p.Thr738Met; replaces threonine 738 with methionine.
Molecular consequence: missense variant.
Genome position (GRCh38, 1-based): chr7:138,917,413, G>A on the plus strand (C>T on the coding strand, the complement: KIAA1549 is on the minus strand). VCF-style: chr7-138917413-G-A. GRCh37 (hg19) VCF-style: chr7-138602159-G-A.
Other names: c.2213C>T, p.Thr738Met (NM_020910.3); short protein forms T738M.
Identifiers: ClinVar variation 1421849 (VCV001421849.5), dbSNP rs779260078, ClinGen allele CA4506551.

ClinVar aggregate classification (germline): Uncertain significance (1 of 4 stars; one submission).

Allele frequency attached by ClinVar (database versions not stated): gnomAD 0.00001; TOPMed 0.00003.
gnomAD v4.1: 61 of 1,613,836 alleles (0.0038%); highest among the groups gnomAD compares: Non-Finnish European, 0.0046%; no homozygotes.

Submission:

Labcorp Genetics (formerly Invitae), Labcorp
Classification: Uncertain significance. Last evaluated: 2021-08-27. Review status: criteria provided, single submitter. Criteria: Invitae Variant Classification Sherloc (09022015). Collection method: clinical testing. Allele origin: germline.
Comment: This sequence change replaces threonine with methionine at codon 738 of the KIAA1549 protein (p.Thr738Met). The threonine residue is weakly conserved and there is a moderate physicochemical difference between threonine and methionine. This variant is present in population databases (rs779260078, ExAC 0.006%). This variant has not been reported in the literature in individuals affected with KIAA1549-related conditions. Algorithms developed to predict the effect of missense changes on protein structure and function output the following: SIFT: "Tolerated"; PolyPhen-2: "Benign"; Align-GVGD: "Class C0". The methionine amino acid residue is found in multiple mammalian species, which suggests that this missense change does not adversely affect protein function. In summary, the available evidence is currently insufficient to determine the role of this variant in disease. Therefore, it has been classified as a Variant of Uncertain Significance.